The following is an entry in ClinVar:

GRCh37/hg19 1q21.1-21.2(chr1:146498299-147393336)x3

Genes: ACP6 (acid phosphatase 6, lysophosphatidic; minus strand), BCL9 (BCL9 transcription coactivator; plus strand), CHD1L (chromodomain helicase DNA binding protein 1 like; plus strand), FMO5 (flavin containing dimethylaniline monoxygenase 5; minus strand), GJA5 (gap junction protein alpha 5; minus strand) and 2 more. Cytogenetic location: 1q21.1-21.2.
Variant type: copy number gain.
Change: copy number 3 (three copies instead of two) of chr1:146,498,299-147,393,336 (895.0 kb, GRCh37 coordinates, 1-based), cytogenetic band 1q21.1-21.2.
Identifiers: ClinVar variation 1808477 (VCV001808477.2).

ClinVar aggregate classification (germline): Pathogenic (1 of 4 stars; one submission).

Submission:

Quest Diagnostics Nichols Institute San Juan Capistrano
Classification: Pathogenic. Last evaluated: 2024-05-09. Review status: criteria provided, single submitter. Criteria: ACMG/ClinGen CNV Guidelines, 2019. Collection method: clinical testing. Allele origin: unknown.
Comment: This copy number gain is consistent with the 1q21.1 recurrent region associated with the 1q21.1 duplication syndrome (ISCA-37421; OMIM 612475). De novo and inherited duplications of this locus have been associated with a highly variable phenotype (Bernier 2016, Buse 2017, Pang 2020), with incomplete penetrance and variable expressivity. Thus, this CNV is classified as pathogenic. References: Bernier et al., Genet Med. 2016 Apr;18(4):341-9. PMID: 26066539; Buse et al., Ital J Pediatr. 2017 Jul 19;43(1):61. PMID: 28724436; Guo et al., GeneReviews [2024 Feb 1]. PMID: 21348049 (see Genetically Related Disorders); Pang et al., Front Genet. 2020 Jun 23:11:577. PMID: 32655619